The following is an entry in ClinVar:

NM_019066.5(MAGEL2):c.262C>A (p.Pro88Thr)

Gene: MAGEL2 (MAGE family member L2; minus strand). Cytogenetic location: 15q11.2.
Variant type: single nucleotide variant.
Coding change: c.262C>A on transcript NM_019066.5 (MANE Select); coding-DNA position 262, C replaced by A.
Protein change: p.Pro88Thr; replaces proline 88 with threonine.
Molecular consequence: missense variant.
Genome position (GRCh38, 1-based): chr15:23,647,481, G>T on the plus strand (C>A on the coding strand, the complement: MAGEL2 is on the minus strand). VCF-style: chr15-23647481-G-T. GRCh37 (hg19) VCF-style: chr15-23892628-G-T.
Other names: short protein forms P88T.
Identifiers: ClinVar variation 1314718 (VCV001314718.2), dbSNP rs2140719205, ClinGen allele CA391337574.

ClinVar aggregate classification (germline): Uncertain significance (1 of 4 stars; one submission).

gnomAD v4.1: 2 of 1,531,744 alleles (0.00013%); highest among the groups gnomAD compares: Non-Finnish European, 0.00017%; no homozygotes.

Submission:

GeneDx
Classification: Uncertain significance. Last evaluated: 2021-04-20. Review status: criteria provided, single submitter. Criteria: GeneDx Variant Classification Process June 2021. Collection method: clinical testing. Allele origin: germline. Affected: yes.
Comment: Not observed in large population cohorts (Lek et al., 2016); In silico analysis supports that this missense variant does not alter protein structure/function; Has not been previously published as pathogenic or benign to our knowledge